The following is an entry in ClinVar:

NM_052947.4(ALPK2):c.5345A>G (p.Glu1782Gly)

Genes: ALPK2 (alpha kinase 2; minus strand), LOC130062577 (ATAC-STARR-seq lymphoblastoid active region 13389; plus strand). Cytogenetic location: 18q21.31.
Variant type: single nucleotide variant.
Coding change: c.5345A>G on transcript NM_052947.4 (MANE Select); coding-DNA position 5345, A replaced by G.
Protein change: p.Glu1782Gly; replaces glutamic acid 1782 with glycine.
Molecular consequence: missense variant.
Genome position (GRCh38, 1-based): chr18:58,534,842, T>C on the plus strand (A>G on the coding strand, the complement: ALPK2 is on the minus strand). VCF-style: chr18-58534842-T-C. GRCh37 (hg19) VCF-style: chr18-56202074-T-C.
Other names: short protein forms E1782G.
Identifiers: ClinVar variation 3531481 (VCV003531481.1).

ClinVar aggregate classification (germline): Uncertain significance (1 of 4 stars; one submission).

Submission:

Ambry Genetics
Classification: Uncertain significance. Last evaluated: 2024-09-12. Review status: criteria provided, single submitter. Criteria: Ambry Variant Classification Scheme 2023. Collection method: clinical testing. Allele origin: germline.
Comment: The p.E1782G variant (also known as c.5345A>G), located in coding exon 4 of the ALPK2 gene, results from an A to G substitution at nucleotide position 5345. The glutamic acid at codon 1782 is replaced by glycine, an amino acid with similar properties. This amino acid position is conserved. In addition, this alteration is predicted to be tolerated by in silico analysis. Based on the available evidence, the clinical significance of this variant remains unclear.